The following is an entry in ClinVar:

ClinVar aggregate classification (germline): Conflicting classifications of pathogenicity. Review status: criteria provided, conflicting classifications (1 of 4 stars). 4 submissions from 4 submitters: Uncertain significance (1); Likely benign (3). Last evaluated 2025-10-01.

Conditions:
Hereditary nonpolyposis colorectal neoplasms. Identifiers: MedGen C0009405, MeSH D003123.
Hereditary cancer-predisposing syndrome. Also called: Neoplastic Syndromes, Hereditary; Hereditary neoplastic syndrome; Tumor predisposition; Hereditary Cancer Syndrome. Identifiers: Orphanet 140162, MedGen C0027672, MeSH D009386, MONDO:0015356.

Allele frequency attached by ClinVar (database versions not stated): gnomAD 0.00001; TOPMed 0.00001.
gnomAD v4.1: 1 of 1,588,198 alleles (0.000063%); highest among the groups gnomAD compares: African/African-American, 0.0013%; no homozygotes.

Submissions (4):

Labcorp Genetics (formerly Invitae), Labcorp
Classification: Likely benign for Hereditary nonpolyposis colorectal neoplasms. Last evaluated: 2025-10-01. Review status: criteria provided, single submitter. Criteria: Invitae Variant Classification Sherloc (09022015). Collection method: clinical testing. Allele origin: germline.

Ambry Genetics
Classification: Likely benign for Hereditary cancer-predisposing syndrome. Last evaluated: 2021-12-29. Review status: criteria provided, single submitter. Criteria: Ambry Variant Classification Scheme 2023. Collection method: clinical testing. Allele origin: germline.

GeneDx
Classification: Uncertain significance. Last evaluated: 2020-03-10. Review status: criteria provided, single submitter. Criteria: GeneDx Variant Classification Process June 2021. Collection method: clinical testing. Allele origin: germline. Affected: yes.
Comment: Not observed in large population cohorts (Lek et al., 2016); Has not been previously published as pathogenic or benign to our knowledge; In silico analysis, which includes splice predictors and evolutionary conservation, is inconclusive as to whether the variant alters gene splicing. In the absence of RNA/functional studies, the actual effect of this sequence change is unknown.

Color Diagnostics, LLC DBA Color Health
Classification: Likely benign for Hereditary cancer-predisposing syndrome. Last evaluated: 2015-12-28. Review status: criteria provided, single submitter. Criteria: ACMG Guidelines, 2015. Collection method: clinical testing. Allele origin: germline.

NM_000535.7(PMS2):c.537+4C>T

Gene: PMS2 (PMS1 homolog 2, mismatch repair system component; minus strand). Cytogenetic location: 7p22.1.
Variant type: single nucleotide variant.
Coding change: c.537+4C>T on transcript NM_000535.7 (MANE Select); 4 bases into the intron after coding-DNA position 537, C replaced by T.
Molecular consequence: intron variant.
Genome position (GRCh38, 1-based): chr7:6,002,449, G>A on the plus strand (C>T on the coding strand, the complement: PMS2 is on the minus strand). VCF-style: chr7-6002449-G-A. GRCh37 (hg19) VCF-style: chr7-6042080-G-A.
Other names: c.219+4C>T (NM_001322008.2, NM_001322007.2); c.132+4C>T (NM_001322010.2, NM_001322004.2, NM_001322013.2 and 3 more transcripts); c.-348+4C>T (NM_001322012.2, NM_001322011.2); c.228+4C>T (NM_001322015.2); c.537+4C>T (NM_001322006.2, NM_001322014.2).
Identifiers: ClinVar variation 237919 (VCV000237919.16), dbSNP rs864622272, ClinGen allele CA10582525.